The following is an entry in ClinVar:

ClinVar aggregate classification (germline): Pathogenic (1 of 4 stars; one submission).

Conditions:
Retinoblastoma (RB1). Also called: RETINOBLASTOMA, SOMATIC. Identifiers: Orphanet 790, MedGen C0035335, MeSH D012175, MONDO:0008380, OMIM 180200, HP:0009919. Disease mechanism: loss of function. Inheritance: Both sporadic and heritable forms are tested..

Submission:

Labcorp Genetics (formerly Invitae), Labcorp
Classification: Pathogenic for Retinoblastoma. Last evaluated: 2022-02-19. Review status: criteria provided, single submitter. Criteria: Invitae Variant Classification Sherloc (09022015). Collection method: clinical testing. Allele origin: germline.
Comment: For these reasons, this variant has been classified as Pathogenic. This premature translational stop signal has been observed in individual(s) with bilateral retinoblastoma (PMID: 28193182). This variant is not present in population databases (gnomAD no frequency). This sequence change creates a premature translational stop signal (p.Leu452*) in the RB1 gene. It is expected to result in an absent or disrupted protein product. Loss-of-function variants in RB1 are known to be pathogenic (PMID: 17096365).

Literature cited by the submitters: PubMed 28193182; PubMed 17096365.

NM_000321.3(RB1):c.1355T>A (p.Leu452Ter)

Gene: RB1 (RB transcriptional corepressor 1; plus strand). Cytogenetic location: 13q14.2.
Variant type: single nucleotide variant.
Coding change: c.1355T>A on transcript NM_000321.3 (MANE Select); coding-DNA position 1355, T replaced by A.
Protein change: p.Leu452Ter; replaces leucine 452 with a stop codon.
Molecular consequence: nonsense.
Genome position (GRCh38, 1-based): chr13:48,379,616, T>A. VCF-style: chr13-48379616-T-A. GRCh37 (hg19) VCF-style: chr13-48953752-T-A.
Other names: c.1355T>A, p.Leu452Ter (NM_001407165.1, NM_001407166.1); short protein forms L452*.
Identifiers: ClinVar variation 2137497 (VCV002137497.4), dbSNP rs2138140900, ClinGen allele CA388162574.